The following is an entry in ClinVar:

NM_000516.7(GNAS):c.112C>A (p.Arg38=)

Gene: GNAS (GNAS complex locus; plus strand). Cytogenetic location: 20q13.32.
Variant type: single nucleotide variant.
Coding change: c.112C>A on transcript NM_000516.7 (MANE Select); coding-DNA position 112, C replaced by A.
Protein change: p.Arg38=; no amino-acid change (arginine 38 retained).
Molecular consequence: synonymous variant. On other transcripts: intron variant (6).
Genome position (GRCh38, 1-based): chr20:58,891,838, C>A. VCF-style: chr20-58891838-C-A. GRCh37 (hg19) VCF-style: chr20-57466893-C-A.
Other names: c.112C>A, p.Arg38= (NM_001077488.5, NM_001077489.4, NM_001309842.2 and 1 more transcripts); c.*43-3774C>A (NM_016592.5); c.-38-3774C>A (NM_001309861.2); c.*1-3774C>A (NM_001077490.3); c.2069-3774C>A (NM_080425.4); c.*159-3774C>A (NM_001309883.1); c.-39+2485C>A (NM_001309840.2).
Identifiers: ClinVar variation 715267 (VCV000715267.6), dbSNP rs994421324, ClinGen allele CA915953132.

ClinVar aggregate classification (germline): Likely benign. Review status: criteria provided, single submitter (1 of 4 stars). 2 submissions from 2 submitters: Likely benign (1). 1 of the submissions does not count toward it. Last evaluated 2019-12-31.

Conditions:
GNAS-related disorder. Identifiers: MedGen CN380105.

Submissions (2):

Labcorp Genetics (formerly Invitae), Labcorp
Classification: Likely benign. Last evaluated: 2019-12-31. Review status: criteria provided, single submitter. Criteria: Invitae Variant Classification Sherloc (09022015). Collection method: clinical testing. Allele origin: germline.

PreventionGenetics, part of Exact Sciences
Classification: Likely benign for GNAS-related condition. Last evaluated: 2022-03-28. Review status: no assertion criteria provided. Collection method: clinical testing. Allele origin: germline. Not counted in ClinVar's aggregate classification.
Comment: This variant is classified as likely benign based on ACMG/AMP sequence variant interpretation guidelines (Richards et al. 2015 PMID: 25741868, with internal and published modifications).